The following is an entry in ClinVar:

ClinVar aggregate classification (germline): Pathogenic (1 of 4 stars; one submission).

Conditions:
PRPH2-related disorder. Also called: PRPH2-related disorders; PRPH2-related condition. Identifiers: MedGen CN239395.

Submission:

Labcorp Genetics (formerly Invitae), Labcorp
Classification: Pathogenic for PRPH2-related disorder. Last evaluated: 2022-10-28. Review status: criteria provided, single submitter. Criteria: Invitae Variant Classification Sherloc (09022015). Collection method: clinical testing. Allele origin: germline.
Comment: For these reasons, this variant has been classified as Pathogenic. This variant disrupts a region of the PRPH2 protein in which other variant(s) (p.Val332Glu) have been determined to be pathogenic (PMID: 30718709, 32531846; Invitae). This suggests that this is a clinically significant region of the protein, and that variants that disrupt it are likely to be disease-causing. ClinVar contains an entry for this variant (Variation ID: 1053626). This variant has not been reported in the literature in individuals affected with PRPH2-related conditions. This variant is not present in population databases (gnomAD no frequency). This sequence change results in a frameshift in the PRPH2 gene (p.Gln331Argfs*30). While this is not anticipated to result in nonsense mediated decay, it is expected to disrupt the last 16 amino acid(s) of the PRPH2 protein and extend the protein by 13 additional amino acid residues.

Literature cited by the submitters: PubMed 30718709; PubMed 32531846.

NM_000322.5(PRPH2):c.991del (p.Gln331fs)

Gene: PRPH2 (peripherin 2; minus strand). Cytogenetic location: 6p21.1.
Variant type: Deletion.
Coding change: c.991del on transcript NM_000322.5 (MANE Select); coding-DNA position 991, one base deleted (C; older notation c.991delC).
Protein change: p.Gln331fs; shifts the reading frame from glutamine 331.
Molecular consequence: frameshift variant.
Genome position (GRCh38, 1-based): chr6:42,698,345, G deleted on the plus strand (C on the coding strand, the reverse complement: PRPH2 is on the minus strand); the first of 2 consecutive G bases (chr6:42,698,345-42,698,346); deleting either gives the same sequence. VCF-style (leftmost placement, unchanged base first): chr6-42698344-TG-T. GRCh37 (hg19) VCF-style: chr6-42666082-TG-T.
Other names: short protein forms Q331fs.
Identifiers: ClinVar variation 1053626 (VCV001053626.10), dbSNP rs2152003795, ClinGen allele CA2499218257.
Genomic context (GRCh38, chr6:42,698,344, plus strand): 5'-CCCCAGGGCCCTCAGCCAGCCTCTGGGGCCTGGCCTGCGTCTGCGCCCTCGGCTTCCACC[TG>T]GTTGCCCTTGCCCAGCTTCTTCACACTCTCCAGAAAGGCCTTCCAGGTCTCCGGCACGCT-3'